The following is an entry in ClinVar:

NM_001367871.1(FBRSL1):c.1717C>T (p.Pro573Ser)

Gene: FBRSL1 (fibrosin like 1; plus strand). Cytogenetic location: 12q24.33.
Variant type: single nucleotide variant.
Coding change: c.1717C>T on transcript NM_001367871.1 (MANE Select); coding-DNA position 1717, C replaced by T.
Protein change: p.Pro573Ser; replaces proline 573 with serine.
Molecular consequence: missense variant. On other transcripts: intron variant (1).
Genome position (GRCh38, 1-based): chr12:132,576,814, C>T. VCF-style: chr12-132576814-C-T. GRCh37 (hg19) VCF-style: chr12-133153400-C-T.
Other names: c.1846C>T, p.Pro616Ser (NM_001142641.2); c.1771C>T, p.Pro591Ser (NM_001382739.1); c.1214-4625C>T (NM_001382740.1); short protein forms P573S, P591S, P616S.
Identifiers: ClinVar variation 4822433 (VCV004822433.4).

ClinVar aggregate classification (germline): Uncertain significance (1 of 4 stars; one submission).

Submission:

CeGaT Center for Human Genetics Tuebingen
Classification: Uncertain significance. Last evaluated: 2026-02-01. Review status: criteria provided, single submitter. Criteria: CeGaT Center For Human Genetics Tuebingen Variant Classification Criteria Version 2. Collection method: clinical testing. Allele origin: germline. Affected: yes. Observed: 1 variant allele.
Comment: FBRSL1: PM2, BP4